The following is an entry in ClinVar:

NM_000094.4(COL7A1):c.685G>C (p.Asp229His)

Gene: COL7A1 (collagen type VII alpha 1 chain; minus strand). Cytogenetic location: 3p21.31.
Variant type: single nucleotide variant.
Coding change: c.685G>C on transcript NM_000094.4 (MANE Select); coding-DNA position 685, G replaced by C.
Protein change: p.Asp229His; replaces aspartic acid 229 with histidine.
Molecular consequence: missense variant.
Genome position (GRCh38, 1-based): chr3:48,592,936, C>G on the plus strand (G>C on the coding strand, the complement: COL7A1 is on the minus strand). VCF-style: chr3-48592936-C-G. GRCh37 (hg19) VCF-style: chr3-48630369-C-G.
Other names: short protein forms D229H.
Identifiers: ClinVar variation 2100446 (VCV002100446.4), dbSNP rs2531338222, ClinGen allele CA352742843.

ClinVar aggregate classification (germline): Uncertain significance (1 of 4 stars; one submission).

Submission:

Labcorp Genetics (formerly Invitae), Labcorp
Classification: Uncertain significance. Last evaluated: 2022-02-20. Review status: criteria provided, single submitter. Criteria: Invitae Variant Classification Sherloc (09022015). Collection method: clinical testing. Allele origin: germline.
Comment: In summary, the available evidence is currently insufficient to determine the role of this variant in disease. Therefore, it has been classified as a Variant of Uncertain Significance. Algorithms developed to predict the effect of missense changes on protein structure and function are either unavailable or do not agree on the potential impact of this missense change (SIFT: "Deleterious"; PolyPhen-2: "Not Available"; Align-GVGD: "Class C0"). This variant has not been reported in the literature in individuals affected with COL7A1-related conditions. This variant is not present in population databases (gnomAD no frequency). This sequence change replaces aspartic acid, which is acidic and polar, with histidine, which is basic and polar, at codon 229 of the COL7A1 protein (p.Asp229His).